The following is an entry in ClinVar:

ClinVar aggregate classification (germline): Benign. Review status: criteria provided, multiple submitters, no conflicts (2 of 4 stars). 14 submissions from 14 submitters: Benign (9). 5 of the submissions do not count toward it. Last evaluated 2026-02-04.

Conditions:
Polyglandular autoimmune syndrome, type 1 (APS1). Also called: Autoimmune polyendocrinopathy syndrome, type I; Autoimmune polyendocrine syndrome type 1; Autoimmune polyendocrinopathy syndrome , type I, with or without reversible metaphyseal dysplasia; AUTOIMMUNE POLYENDOCRINE SYNDROME, TYPE I, WITH OR WITHOUT REVERSIBLE METAPHYSEAL DYSPLASIA; HYPOADRENOCORTICISM WITH HYPOPARATHYROIDISM AND SUPERFICIAL MONILIASIS; PGA I. Identifiers: Orphanet 3453, MedGen C0085859, MONDO:0009411, OMIM 240300.

Allele frequency attached by ClinVar (database versions not stated): gnomAD exomes 0.42685 and 0.45901; ExAC 0.46107; gnomAD 0.49286 and 0.49415; ESP Exome Variant Server 0.49438; TOPMed 0.50549; 1000 Genomes Project 0.53035; 1000 Genomes Project 30x 0.53342.
gnomAD v4.1: 698,738 of 1,611,030 alleles (43%); highest among the groups gnomAD compares: East Asian, 66%; 155,311 homozygotes.

Submissions (14):

Labcorp Genetics (formerly Invitae), Labcorp
Classification: Benign for Polyglandular autoimmune syndrome, type 1. Last evaluated: 2026-02-04. Review status: criteria provided, single submitter. Criteria: Invitae Variant Classification Sherloc (09022015). Collection method: clinical testing. Allele origin: germline.

Blueprint Genetics
Classification: Benign. Last evaluated: 2024-11-28. Review status: criteria provided, single submitter. Criteria: ACMG Guidelines, 2015. Collection method: clinical testing. Allele origin: germline.

Unidad de Genómica Garrahan, Hospital de Pediatría Garrahan
Classification: Benign. Last evaluated: 2023-11-12. Review status: criteria provided, single submitter. Criteria: ACMG Guidelines, 2015. Collection method: clinical testing. Allele origin: germline. Affected: no. Observed: 60 variant alleles.
Comment: This variant is classified as Benign based on local population frequency. This variant was detected in 63% of patients studied by a panel of primary immunodeficiencies. Number of patients: 60. Only high quality variants are reported.

Mayo Clinic Laboratories, Mayo Clinic
Classification: Benign. Last evaluated: 2022-09-06. Review status: criteria provided, single submitter. Criteria: ACMG Guidelines, 2015. Collection method: clinical testing. Allele origin: germline. Observed: 469 variant alleles.

Genome-Nilou Lab
Classification: Benign for Polyglandular autoimmune syndrome, type 1. Last evaluated: 2021-07-10. Review status: criteria provided, single submitter. Criteria: ACMG Guidelines, 2015. Collection method: clinical testing. Allele origin: germline. Affected: no.

Athena Diagnostics
Classification: Benign. Last evaluated: 2017-07-26. Review status: criteria provided, single submitter. Criteria: Athena Diagnostics Criteria. Collection method: clinical testing. Allele origin: germline.

GeneDx
Classification: Benign. Last evaluated: 2015-03-03. Review status: criteria provided, single submitter. Criteria: GeneDx Variant Classification Process June 2021. Collection method: clinical testing. Allele origin: germline. Affected: yes.

Breakthrough Genomics
Classification: Benign. Review status: criteria provided, single submitter. Criteria: ACMG Guidelines, 2015. Collection method: not provided. Allele origin: germline. Inheritance: Autosomal recessive inheritance. Affected: yes.

PreventionGenetics, part of Exact Sciences
Classification: Benign. Review status: criteria provided, single submitter. Criteria: ACMG Guidelines, 2015. Collection method: clinical testing. Allele origin: germline.

Natera, Inc.
Classification: Benign for Polyglandular autoimmune syndrome type 1. Last evaluated: 2020-09-16. Review status: no assertion criteria provided. Collection method: clinical testing. Allele origin: germline. Not counted in ClinVar's aggregate classification.

Diagnostic Laboratory, Department of Genetics, University Medical Center Groningen
Classification: Benign. Review status: no assertion criteria provided. Collection method: clinical testing. Allele origin: germline. Affected: yes. Study: VKGL Data-share Consensus. Not counted in ClinVar's aggregate classification.

Genetic Services Laboratory, University of Chicago
Classification: Likely benign for AllHighlyPenetrant. Review status: no assertion criteria provided. Collection method: clinical testing. Allele origin: germline. Inheritance: Autosomal recessive inheritance. Not counted in ClinVar's aggregate classification.
Comment: Likely benign based on allele frequency in 1000 Genomes Project or ESP global frequency and its presence in a patient with a rare or unrelated disease phenotype. NOT Sanger confirmed.

Genome Diagnostics Laboratory, University Medical Center Utrecht
Classification: Benign. Review status: no assertion criteria provided. Collection method: clinical testing. Allele origin: germline. Affected: yes. Study: VKGL Data-share Consensus. Not counted in ClinVar's aggregate classification.

Joint Genome Diagnostic Labs from Nijmegen and Maastricht, Radboudumc and MUMC+
Classification: Benign. Review status: no assertion criteria provided. Collection method: clinical testing. Allele origin: germline. Affected: yes. Study: VKGL Data-share Consensus. Not counted in ClinVar's aggregate classification.

NM_000383.4(AIRE):c.1578T>C (p.Asp526=)

Gene: AIRE (autoimmune regulator; plus strand). Cytogenetic location: 21q22.3.
Variant type: single nucleotide variant.
Coding change: c.1578T>C on transcript NM_000383.4 (MANE Select); coding-DNA position 1578, T replaced by C.
Protein change: p.Asp526=; no amino-acid change (aspartic acid 526 retained).
Molecular consequence: synonymous variant.
Genome position (GRCh38, 1-based): chr21:44,297,667, T>C. VCF-style: chr21-44297667-T-C. GRCh37 (hg19) VCF-style: chr21-45717550-T-C.
Other names: p.Asp526=; c.1578T>C (LRG_18t1).
Identifiers: ClinVar variation 128337 (VCV000128337.31), dbSNP rs1133779, ClinGen allele CA151729.
Genomic context (GRCh38, chr21:44,297,667, plus strand): 5'-CTGCGGCGGGGGCGCACCTGGAGGTTCTCACCGTCACTCTGTCCCGCAGCACACCTTCGA[T>C]GGCATCCTGCAGTGGGCCATCCAGAGCATGGCCCGTCCGGCGGCCCCCTTCCCCTCCTGA-3'
Protein context (NP_000374.1, residues 516-536): LESLLSEHTF[Asp526=]GILQWAIQSM